The following is an entry in ClinVar:

NM_032043.3(BRIP1):c.3733T>C (p.Phe1245Leu)

Gene: BRIP1 (BRCA1 interacting DNA helicase 1; minus strand). Cytogenetic location: 17q23.2.
Variant type: single nucleotide variant.
Coding change: c.3733T>C on transcript NM_032043.3 (MANE Select); coding-DNA position 3733, T replaced by C.
Protein change: p.Phe1245Leu; replaces phenylalanine 1245 with leucine.
Molecular consequence: missense variant.
Genome position (GRCh38, 1-based): chr17:61,683,313, A>G on the plus strand (T>C on the coding strand, the complement: BRIP1 is on the minus strand). VCF-style: chr17-61683313-A-G. GRCh37 (hg19) VCF-style: chr17-59760674-A-G.
Other names: short protein forms F1245L.
Identifiers: ClinVar variation 5033396 (VCV005033396.1).

ClinVar aggregate classification (germline): Uncertain significance (1 of 4 stars; one submission).

Conditions:
Hereditary cancer-predisposing syndrome. Also called: Neoplastic Syndromes, Hereditary; Tumor predisposition; Hereditary neoplastic syndrome; Hereditary Cancer Syndrome. Identifiers: Orphanet 140162, MedGen C0027672, MeSH D009386, MONDO:0015356.

Submission:

Ambry Genetics
Classification: Uncertain significance for Hereditary cancer-predisposing syndrome. Last evaluated: 2026-07-02. Review status: criteria provided, single submitter. Criteria: Ambry Variant Classification Scheme 2023. Collection method: clinical testing. Allele origin: germline.
Comment: The p.F1245L variant (also known as c.3733T>C), located in coding exon 19 of the BRIP1 gene, results from a T to C substitution at nucleotide position 3733. The phenylalanine at codon 1245 is replaced by leucine, an amino acid with highly similar properties. This amino acid position is conserved. In addition, this alteration is predicted to be tolerated by in silico analysis. Based on the available evidence, the clinical significance of this variant remains unclear.